The following is an entry in ClinVar:

ClinVar aggregate classification (germline): Benign/Likely benign. Review status: criteria provided, multiple submitters, no conflicts (2 of 4 stars). 11 submissions from 11 submitters: Benign (5); Likely benign (3). 3 of the submissions do not count toward it. Last evaluated 2026-02-04.

Conditions:
Alport syndrome. Also called: Hemorrhagic familial nephritis; Hemorrhagic hereditary nephritis; Congenital hereditary hematuria. Identifiers: Orphanet 63, MedGen C1567741, MONDO:0018965.
Kidney disorder. Also called: Nephropathy; Kidney Diseases; Kidney disease; renal disorder; renal disease. Identifiers: MedGen C0022658, MONDO:0005240, HP:0000112.

Allele frequency attached by ClinVar (database versions not stated): gnomAD exomes 0.00096 and 0.00273; TOPMed 0.00096; gnomAD 0.00129 and 0.00076; ExAC 0.00447; 1000 Genomes Project 30x 0.00843; 1000 Genomes Project 0.00899; ESP Exome Variant Server 0.00008.

Submissions (11):

Labcorp Genetics (formerly Invitae), Labcorp
Classification: Benign. Last evaluated: 2026-02-04. Review status: criteria provided, single submitter. Criteria: Invitae Variant Classification Sherloc (09022015). Collection method: clinical testing. Allele origin: germline.

CeGaT Center for Human Genetics Tuebingen
Classification: Benign. Last evaluated: 2025-07-01. Review status: criteria provided, single submitter. Criteria: CeGaT Center For Human Genetics Tuebingen Variant Classification Criteria Version 2. Collection method: clinical testing. Allele origin: germline. Affected: yes. Observed: 2 variant alleles.
Comment: COL4A3: BP4, BS1, BS2

Blueprint Genetics
Classification: Likely benign. Last evaluated: 2024-11-25. Review status: criteria provided, single submitter. Criteria: ACMG Guidelines, 2015. Collection method: clinical testing. Allele origin: germline.

Women's Health and Genetics/Laboratory Corporation of America, LabCorp
Classification: Likely benign. Last evaluated: 2021-12-10. Review status: criteria provided, single submitter. Criteria: LabCorp Variant Classification Summary - May 2015. Collection method: clinical testing. Allele origin: germline.

Genome Diagnostics Laboratory, The Hospital for Sick Children
Classification: Likely benign for Kidney disorder. Last evaluated: 2020-02-01. Review status: criteria provided, single submitter. Criteria: ACMG Guidelines, 2015. Collection method: clinical testing. Allele origin: germline.

GeneDx
Classification: Benign. Last evaluated: 2019-07-09. Review status: criteria provided, single submitter. Criteria: GeneDx Variant Classification Process June 2021. Collection method: clinical testing. Allele origin: germline. Affected: yes.
Comment: This variant is associated with the following publications: (PMID: 30012629, 27965898, 22887978, 21862460)

Illumina Laboratory Services, Illumina
Classification: Benign for Alport syndrome. Last evaluated: 2017-04-28. Review status: criteria provided, single submitter. Criteria: ICSL Variant Classification Criteria 13 December 2019. Collection method: clinical testing. Allele origin: germline.
Comment: This variant was observed as part of a predisposition screen in an ostensibly healthy population. A literature search was performed for the gene, cDNA change, and amino acid change (where applicable). Publications were found based on this search. The evidence from the literature, in combination with allele frequency data from public databases where available, was sufficient to rule this variant out of causing disease. Therefore, this variant is classified as benign.

Laboratory for Molecular Medicine, Mass General Brigham Personalized Medicine
Classification: Benign. Last evaluated: 2016-03-21. Review status: criteria provided, single submitter. Criteria: LMM Criteria. Collection method: clinical testing. Allele origin: germline. Observed: 1 variant allele.
Comment: p.Met1209Ile in exon 42 of COL4A3: This variant is not expected to have clinical significance because it has been identified in 2.09% (102/4884) of East Asian c hromosomes by the Exome Aggregation Consortium (ExAC .org; dbSNP rs200562865).

Natera, Inc.
Classification: Benign for Alport syndrome. Last evaluated: 2019-12-03. Review status: no assertion criteria provided. Collection method: clinical testing. Allele origin: germline. Not counted in ClinVar's aggregate classification.

Genome Diagnostics Laboratory, University Medical Center Utrecht
Classification: Benign. Review status: no assertion criteria provided. Collection method: clinical testing. Allele origin: germline. Affected: yes. Study: VKGL Data-share Consensus. Not counted in ClinVar's aggregate classification.

Joint Genome Diagnostic Labs from Nijmegen and Maastricht, Radboudumc and MUMC+
Classification: Likely benign. Review status: no assertion criteria provided. Collection method: clinical testing. Allele origin: germline. Affected: yes. Study: VKGL Data-share Consensus. Not counted in ClinVar's aggregate classification.

Literature cited by the submitters: PubMed 22887978 (cited by Illumina Laboratory Services, Illumina); PubMed 21862460 (cited by Illumina Laboratory Services, Illumina).

NM_000091.5(COL4A3):c.3627G>A (p.Met1209Ile)

Genes: COL4A3 (collagen type IV alpha 3 chain; plus strand), MFF-DT (MFF divergent transcript; minus strand). Cytogenetic location: 2q36.3.
Variant type: single nucleotide variant.
Coding change: c.3627G>A on transcript NM_000091.5 (MANE Select); coding-DNA position 3627, G replaced by A.
Protein change: p.Met1209Ile; replaces methionine 1209 with isoleucine.
Molecular consequence: missense variant.
Genome position (GRCh38, 1-based): chr2:227,297,735, G>A. VCF-style: chr2-227297735-G-A. GRCh37 (hg19) VCF-style: chr2-228162451-G-A.
Other names: short protein forms M1209I.
Identifiers: ClinVar variation 508705 (VCV000508705.40), dbSNP rs200562865, ClinGen allele CA2147313.